The following is an entry in ClinVar:

ClinVar aggregate classification (germline): Uncertain significance (1 of 4 stars; one submission).

gnomAD v4.1: 5 of 1,612,808 alleles (0.00031%); highest among the groups gnomAD compares: Non-Finnish European, 0.00042%; no homozygotes.

Submission:

Women's Health and Genetics/Laboratory Corporation of America, LabCorp
Classification: Uncertain significance. Last evaluated: 2026-06-18. Review status: criteria provided, single submitter. Criteria: LabCorp Variant Classification Summary - May 2015. Collection method: clinical testing. Allele origin: germline.
Comment: Variant summary: TTN c.19622G>A (p.Cys6541Tyr) results in a non-conservative amino acid change in the encoded protein sequence. Algorithms developed to predict the effect of missense changes on protein structure and function all suggest that this variant is likely to be disruptive. The variant was absent in 248030 control chromosomes. The available data on variant occurrences in the general population are insufficient to allow any conclusion about variant significance. To our knowledge, no occurrence of c.19622G>A in individuals affected with TTN-related conditions and no experimental evidence demonstrating its impact on protein function have been reported. No submitters have cited clinical-significance assessments for this variant to ClinVar. Based on the evidence outlined above, the variant was classified as uncertain significance.

NM_001267550.2(TTN):c.23354G>A (p.Cys7785Tyr)

Gene: TTN (titin; minus strand). Cytogenetic location: 2q31.2.
Variant type: single nucleotide variant.
Coding change: c.23354G>A on transcript NM_001267550.2 (MANE Select); coding-DNA position 23354, G replaced by A.
Protein change: p.Cys7785Tyr; replaces cysteine 7785 with tyrosine.
Molecular consequence: missense variant. On other transcripts: intron variant (3).
Genome position (GRCh38, 1-based): chr2:178,720,408, C>T on the plus strand (G>A on the coding strand, the complement: TTN is on the minus strand). VCF-style: chr2-178720408-C-T. GRCh37 (hg19) VCF-style: chr2-179585135-C-T.
Other names: c.22403G>A, p.Cys7468Tyr (NM_001256850.1); c.19622G>A, p.Cys6541Tyr (NM_133378.4); c.13282+17674G>A (NM_003319.4); c.13858+17674G>A (NM_133437.4); c.13657+17674G>A (NM_133432.3); short protein forms C6541Y, C7468Y, C7785Y.
Identifiers: ClinVar variation 4887143 (VCV004887143.1).